The following is an entry in ClinVar:

ClinVar aggregate classification (germline): Uncertain significance (1 of 4 stars; one submission).

gnomAD v4.1: 2 of 1,593,672 alleles (0.00013%); highest among the groups gnomAD compares: East Asian, 0.0022%; no homozygotes.

Submission:

Labcorp Genetics (formerly Invitae), Labcorp
Classification: Uncertain significance. Last evaluated: 2024-07-15. Review status: criteria provided, single submitter. Criteria: Invitae Variant Classification Sherloc (09022015). Collection method: clinical testing. Allele origin: germline.
Comment: This sequence change replaces isoleucine, which is neutral and non-polar, with valine, which is neutral and non-polar, at codon 372 of the ZCCHC8 protein (p.Ile372Val). This variant is not present in population databases (gnomAD no frequency). This variant has not been reported in the literature in individuals affected with ZCCHC8-related conditions. Advanced modeling of protein sequence and biophysical properties (such as structural, functional, and spatial information, amino acid conservation, physicochemical variation, residue mobility, and thermodynamic stability) performed at Invitae indicates that this missense variant is not expected to disrupt ZCCHC8 protein function with a negative predictive value of 80%. In summary, the available evidence is currently insufficient to determine the role of this variant in disease. Therefore, it has been classified as a Variant of Uncertain Significance.

NM_017612.5(ZCCHC8):c.1114A>G (p.Ile372Val)

Gene: ZCCHC8 (zinc finger CCHC-type containing 8; minus strand). Cytogenetic location: 12q24.31.
Variant type: single nucleotide variant.
Coding change: c.1114A>G on transcript NM_017612.5 (MANE Select); coding-DNA position 1114, A replaced by G.
Protein change: p.Ile372Val; replaces isoleucine 372 with valine.
Molecular consequence: missense variant.
Genome position (GRCh38, 1-based): chr12:122,480,216, T>C on the plus strand (A>G on the coding strand, the complement: ZCCHC8 is on the minus strand). VCF-style: chr12-122480216-T-C. GRCh37 (hg19) VCF-style: chr12-122964763-T-C.
Other names: c.883A>G, p.Ile295Val (NM_001350935.2); c.817A>G, p.Ile273Val (NM_001350936.2); c.400A>G, p.Ile134Val (NM_001350937.2, NM_001350938.2); short protein forms I134V, I273V, I295V, I372V.
Identifiers: ClinVar variation 3620958 (VCV003620958.2).
Genomic context (GRCh38, chr12:122,480,216, plus strand): 5'-TCACATGATAATTTAAAAAAATCAATATACTTACGTCTGGAATTCCTCTGGGAGTAGATA[T>C]ATTAAAACCAGGATAGTTGACCAATTTTGAGAGATCGTAAGTGACACTTTTATTCTGTTG-3'
Protein context (NP_060082.2, residues 362-382): SKLVNYPGFN[Ile372Val]STPRGIPDEW